The following is an entry in ClinVar:

NM_000481.4(AMT):c.533C>T (p.Ala178Val)

Gene: AMT (aminomethyltransferase; minus strand). Cytogenetic location: 3p21.31.
Variant type: single nucleotide variant.
Coding change: c.533C>T on transcript NM_000481.4 (MANE Select); coding-DNA position 533, C replaced by T.
Protein change: p.Ala178Val; replaces alanine 178 with valine.
Molecular consequence: missense variant. On other transcripts: non-coding transcript variant (1).
Genome position (GRCh38, 1-based): chr3:49,419,727, G>A on the plus strand (C>T on the coding strand, the complement: AMT is on the minus strand). VCF-style: chr3-49419727-G-A. GRCh37 (hg19) VCF-style: chr3-49457160-G-A.
Other names: c.401C>T, p.Ala134Val (NM_001164710.2); c.365C>T, p.Ala122Val (NM_001164711.2); c.533C>T, p.Ala178Val (NM_001164712.2); short protein forms A178V, A122V, A134V.
Identifiers: ClinVar variation 2053673 (VCV002053673.2), dbSNP rs745689345, ClinGen allele CA2398330.

ClinVar aggregate classification (germline): Uncertain significance. Review status: criteria provided, single submitter (1 of 4 stars). 2 submissions from 2 submitters: Uncertain significance (1). 1 of the submissions does not count toward it. Last evaluated 2022-07-20.

Conditions:
Glycine encephalopathy. Also called: Nonketotic hyperglycinemia; Non-ketotic hyperglycinemia. Identifiers: Orphanet 407, MedGen C0751748, MONDO:0011612, HP:0008288.
AMT-related disorder. Also called: AMT-related condition.

Allele frequency attached by ClinVar (database versions not stated): TOPMed below 0.00001; ExAC 0.00001; gnomAD 0.00001; gnomAD exomes 0.00003.
gnomAD v4.1: 45 of 1,614,128 alleles (0.0028%); highest among the groups gnomAD compares: Non-Finnish European, 0.0036%; no homozygotes.

Submissions (2):

Labcorp Genetics (formerly Invitae), Labcorp
Classification: Uncertain significance for Glycine encephalopathy. Last evaluated: 2022-07-20. Review status: criteria provided, single submitter. Criteria: Invitae Variant Classification Sherloc (09022015). Collection method: clinical testing. Allele origin: germline.
Comment: This sequence change replaces alanine, which is neutral and non-polar, with valine, which is neutral and non-polar, at codon 178 of the AMT protein (p.Ala178Val). This variant is present in population databases (rs745689345, gnomAD 0.0009%). This variant has not been reported in the literature in individuals affected with AMT-related conditions. Algorithms developed to predict the effect of missense changes on protein structure and function are either unavailable or do not agree on the potential impact of this missense change (SIFT: "Tolerated"; PolyPhen-2: "Possibly Damaging"; Align-GVGD: "Class C0"). In summary, the available evidence is currently insufficient to determine the role of this variant in disease. Therefore, it has been classified as a Variant of Uncertain Significance.

PreventionGenetics, part of Exact Sciences
Classification: Uncertain significance for AMT-related condition. Last evaluated: 2024-05-22. Review status: no assertion criteria provided. Collection method: clinical testing. Allele origin: germline. Not counted in ClinVar's aggregate classification.
Comment: The AMT c.533C>T variant is predicted to result in the amino acid substitution p.Ala178Val. To our knowledge, this variant has not been reported in the literature. This variant is reported in 0.00088% of alleles in individuals of European (Non-Finnish) descent in gnomAD. At this time, the clinical significance of this variant is uncertain due to the absence of conclusive functional and genetic evidence.